The following is an entry in ClinVar:

NM_000091.5(COL4A3):c.2719G>T (p.Gly907Trp)

Genes: COL4A3 (collagen type IV alpha 3 chain; plus strand), MFF-DT (MFF divergent transcript; minus strand). Cytogenetic location: 2q36.3.
Variant type: single nucleotide variant.
Coding change: c.2719G>T on transcript NM_000091.5 (MANE Select); coding-DNA position 2719, G replaced by T.
Protein change: p.Gly907Trp; replaces glycine 907 with tryptophan.
Molecular consequence: missense variant.
Genome position (GRCh38, 1-based): chr2:227,283,829, G>T. VCF-style: chr2-227283829-G-T. GRCh37 (hg19) VCF-style: chr2-228148545-G-T.
Other names: short protein forms G907W.
Identifiers: ClinVar variation 3764795 (VCV003764795.1).

ClinVar aggregate classification (germline): Likely pathogenic (1 of 4 stars; one submission).

Conditions:
Autosomal dominant Alport syndrome (ATS3A). Also called: ALPORT SYNDROME 3A, AUTOSOMAL DOMINANT; Alport syndrome dominant type; Renal failure and sensorineural hearing loss. Identifiers: Orphanet 63, Orphanet 88918, MedGen C5882663, MONDO:0007086, OMIM 104200.

Submission:

MVZ Medizinische Genetik Mainz
Classification: Likely pathogenic for Autosomal dominant Alport syndrome. Last evaluated: 2025-02-12. Review status: criteria provided, single submitter. Criteria: UK Practice Guidelines For Variant Classification V4 01 2020. Collection method: clinical testing. Allele origin: germline. Inheritance: Autosomal dominant inheritance. Observed: 1 variant allele.
Comment: ACMG Criteria: PM1_STR,PM2_SUP,PP3,PP4